The following is an entry in ClinVar:

NM_001267550.2(TTN):c.58939G>A (p.Gly19647Arg)

Genes: TTN (titin; minus strand), TTN-AS1 (TTN antisense RNA 1; plus strand). Cytogenetic location: 2q31.2.
Variant type: single nucleotide variant.
Coding change: c.58939G>A on transcript NM_001267550.2 (MANE Select); coding-DNA position 58939, G replaced by A.
Protein change: p.Gly19647Arg; replaces glycine 19647 with arginine.
Molecular consequence: missense variant.
Genome position (GRCh38, 1-based): chr2:178,593,269, C>T on the plus strand (G>A on the coding strand, the complement: TTN is on the minus strand). VCF-style: chr2-178593269-C-T. GRCh37 (hg19) VCF-style: chr2-179457996-C-T.
Other names: c.54016G>A, p.Gly18006Arg (NM_001256850.1); c.31744G>A, p.Gly10582Arg (NM_003319.4); c.51235G>A, p.Gly17079Arg (NM_133378.4); c.32119G>A, p.Gly10707Arg (NM_133432.3); c.32320G>A, p.Gly10774Arg (NM_133437.4); short protein forms G10582R, G10707R, G10774R, G17079R, G18006R, G19647R.
Identifiers: ClinVar variation 994428 (VCV000994428.12), dbSNP rs201430346, ClinGen allele CA1992752.

ClinVar aggregate classification (germline): Conflicting classifications of pathogenicity. Review status: criteria provided, conflicting classifications (1 of 4 stars). 5 submissions from 5 submitters: Uncertain significance (4); Likely benign (1). Last evaluated 2025-09-17.

Conditions:
TTN-related disorder. Also called: TTN-related condition; TTN-related disease; TTN-related disorders.
Cardiovascular phenotype. Identifiers: MedGen CN230736.
Early-onset myopathy with fatal cardiomyopathy (CMYO5). Also called: CONGENITAL MYOPATHY 5 WITH CARDIOMYOPATHY; Salih Myopathy. Identifiers: Orphanet 289377, MedGen C2673677, MONDO:0012714, OMIM 611705. Disease mechanism: loss of function.
Myopathy, myofibrillar, 9, with early respiratory failure (MFM9). Also called: MYOPATHY, PROXIMAL, WITH EARLY RESPIRATORY MUSCLE INVOLVEMENT; Hereditary myopathy with early respiratory failure; EDSTROM MYOPATHY; Myopathy, distal, with early respiratory failure, autosomal dominant. Identifiers: Orphanet 178464, Orphanet 34521, MedGen C1863599, MONDO:0011362, OMIM 603689.
Tibial muscular dystrophy (TMD). Also called: Tibial muscular dystrophy, tardive; Udd Distal Myopathy – Tibial Muscular Dystrophy; UDD MYOPATHY. Identifiers: Orphanet 609, MedGen C1838244, MONDO:0010870, OMIM 600334.
Dilated cardiomyopathy 1G (CMD1G). Identifiers: Orphanet 154, MedGen C1858763, MONDO:0011400, OMIM 604145.
Autosomal recessive limb-girdle muscular dystrophy type 2J (LGMDR10). Also called: Limb-girdle muscular dystrophy, type 2J; MUSCULAR DYSTROPHY, LIMB-GIRDLE, AUTOSOMAL RECESSIVE 10. Identifiers: Orphanet 140922, MedGen C1837342, MONDO:0012127, OMIM 608807.
Hypertrophic cardiomyopathy 9. Also called: Familial hypertrophic cardiomyopathy 9. Identifiers: MedGen C1861065, MONDO:0013412, OMIM 613765.

Allele frequency attached by ClinVar (database versions not stated): ExAC 0.00003; gnomAD 0.00003 and 0.00004; gnomAD exomes 0.00003 and 0.00004; TOPMed 0.00003; ESP Exome Variant Server 0.00008.
gnomAD v4.1: 69 of 1,613,246 alleles (0.0043%); highest among the groups gnomAD compares: Non-Finnish European, 0.0058%; no homozygotes.

Submissions (5):

PreventionGenetics, part of Exact Sciences
Classification: Uncertain significance for TTN-related condition. Last evaluated: 2025-09-17. Review status: criteria provided, single submitter. Criteria: ACMG Guidelines, 2015. Collection method: clinical testing. Allele origin: germline.
Comment: The TTN c.58939G>A variant is predicted to result in the amino acid substitution p.Gly19647Arg. To our knowledge, this variant has not been reported in the literature. This variant is reported in 0.0055% of alleles in individuals of European (Non-Finnish) descent in gnomAD. At this time, the clinical significance of this variant is uncertain due to the absence of conclusive functional and genetic evidence.

Blueprint Genetics
Classification: Likely benign. Last evaluated: 2024-07-24. Review status: criteria provided, single submitter. Criteria: ACMG Guidelines, 2015. Collection method: clinical testing. Allele origin: germline.

Fulgent Genetics
Classification: Uncertain significance for Tibial muscular dystrophy; Myopathy, myofibrillar, 9, with early respiratory failure; Dilated cardiomyopathy 1G; Autosomal recessive limb-girdle muscular dystrophy type 2J; Early-onset myopathy with fatal cardiomyopathy; Hypertrophic cardiomyopathy 9. Last evaluated: 2021-10-11. Review status: criteria provided, single submitter. Criteria: ACMG Guidelines, 2015. Collection method: clinical testing. Allele origin: unknown.

ARUP Laboratories, Molecular Genetics and Genomics, ARUP Laboratories
Classification: Uncertain significance. Last evaluated: 2020-03-26. Review status: criteria provided, single submitter. Criteria: ARUP Molecular Germline Variant Investigation Process. Collection method: clinical testing. Allele origin: germline.
Comment: The TTN c.58939G>A; p.Gly19647Arg variant (rs201430346) is rare in the general population (<1% allele frequency in the Genome Aggregation Database) and has not been reported in the medical literature in association with dilated cardiomyopathy (DCM) or other TTN-related disease. The clinical relevance of rare missense variants in this gene, which are identified on average once per individual sequenced in affected populations (Herman 2012), is not well understood. Yet, evidence suggests that the vast majority of such missense variants do not contribute to the clinical outcome of DCM (Begay 2015). Thus, the clinical significance of the p.Gly19647Arg variant cannot be determined with certainty. References: Begay RL et al. Role of Titin Missense Variants in Dilated Cardiomyopathy. J Am Heart Assoc. 2015 Nov 13;4(11). Herman DS et al. Truncations of titin causing dilated cardiomyopathy. N Engl J Med. 2012 Feb 16;366(7):619-28. Linke WA and Hamdani N. Gigantic business: titin properties and function through thick and thin. Circ Res 2014; 114(6): 1052-1068.

Ambry Genetics
Classification: Uncertain significance for Cardiovascular phenotype. Last evaluated: 2019-03-29. Review status: criteria provided, single submitter. Criteria: Ambry Variant Classification Scheme 2023. Collection method: clinical testing. Allele origin: germline.
Comment: The p.G10582R variant (also known as c.31744G>A), located in coding exon 126 of the TTN gene, results from a G to A substitution at nucleotide position 31744. The glycine at codon 10582 is replaced by arginine, an amino acid with dissimilar properties. This amino acid position is highly conserved in available vertebrate species. In addition, the in silico prediction for this alteration is inconclusive. Since supporting evidence is limited at this time, the clinical significance of this alteration remains unclear.